The following is an entry in ClinVar:

NM_002075.4(GNB3):c.497+3G>A

Gene: GNB3 (G protein subunit beta 3; plus strand). Cytogenetic location: 12p13.31.
Variant type: single nucleotide variant.
Coding change: c.497+3G>A on transcript NM_002075.4 (MANE Select); 3 bases into the intron after coding-DNA position 497, G replaced by A.
Molecular consequence: intron variant.
Genome position (GRCh38, 1-based): chr12:6,843,701, G>A. VCF-style: chr12-6843701-G-A. GRCh37 (hg19) VCF-style: chr12-6952865-G-A.
Other names: c.494+6G>A (NM_001297571.2).
Identifiers: ClinVar variation 3709603 (VCV003709603.2).
Genomic context (GRCh38, chr12:6,843,701, plus strand): 5'-CCTGCTGCCGCTTCCTGGATGACAACAATATTGTGACCAGCTCGGGGGACACCACGTGGT[G>A]AGGCTGAACATTGCTGGTGCTGGGGCTTGGGAGTGGGCCCGGCCTTTCTCTAACAGTCTC-3'

ClinVar aggregate classification (germline): Uncertain significance (1 of 4 stars; one submission).

gnomAD v4.1: 95 of 1,613,920 alleles (0.0059%); highest among the groups gnomAD compares: Non-Finnish European, 0.0078%; no homozygotes.

Submission:

Labcorp Genetics (formerly Invitae), Labcorp
Classification: Uncertain significance. Last evaluated: 2024-05-22. Review status: criteria provided, single submitter. Criteria: Invitae Variant Classification Sherloc (09022015). Collection method: clinical testing. Allele origin: germline.
Comment: This sequence change falls in intron 7 of the GNB3 gene. It does not directly change the encoded amino acid sequence of the GNB3 protein. It affects a nucleotide within the consensus splice site. This variant is present in population databases (rs782697401, gnomAD 0.004%). This variant has not been reported in the literature in individuals affected with GNB3-related conditions. Variants that disrupt the consensus splice site are a relatively common cause of aberrant splicing (PMID: 17576681, 9536098). Algorithms developed to predict the effect of sequence changes on RNA splicing suggest that this variant is not likely to affect RNA splicing. In summary, the available evidence is currently insufficient to determine the role of this variant in disease. Therefore, it has been classified as a Variant of Uncertain Significance.

Literature cited by the submitters: PubMed 17576681; PubMed 9536098.